The following is an entry in ClinVar:

ClinVar aggregate classification (germline): Uncertain significance (1 of 4 stars; one submission).

Conditions:
Mitochondrial complex V (ATP synthase) deficiency, nuclear type 2. Also called: ENCEPHALOCARDIOMYOPATHY, MITOCHONDRIAL, NEONATAL, DUE TO ATP SYNTHASE DEFICIENCY; MITOCHONDRIAL COMPLEX V (ATP SYNTHASE) DEFICIENCY, TMEM70 TYPE; Nuclear-Encoded ATPase Deficiency, TMEM70-Related. Identifiers: Orphanet 1194, MedGen C3279699, MONDO:0013546, OMIM 614052.

Submission:

Labcorp Genetics (formerly Invitae), Labcorp
Classification: Uncertain significance for Mitochondrial complex V (ATP synthase) deficiency, nuclear type 2. Last evaluated: 2019-10-16. Review status: criteria provided, single submitter. Criteria: Invitae Variant Classification Sherloc (09022015). Collection method: clinical testing. Allele origin: germline.
Comment: Algorithms developed to predict the effect of missense changes on protein structure and function output the following: SIFT: "Tolerated"; PolyPhen-2: "Benign"; Align-GVGD: "Class C0". The leucine amino acid residue is found in multiple mammalian species, suggesting that this missense change does not adversely affect protein function. These predictions have not been confirmed by published functional studies and their clinical significance is uncertain. In summary, the available evidence is currently insufficient to determine the role of this variant in disease. Therefore, it has been classified as a Variant of Uncertain Significance. This variant is not present in population databases (ExAC no frequency). This sequence change replaces valine with leucine at codon 194 of the TMEM70 protein (p.Val194Leu). The valine residue is moderately conserved and there is a small physicochemical difference between valine and leucine. This variant has not been reported in the literature in individuals with TMEM70-related conditions.

NM_017866.6(TMEM70):c.580G>T (p.Val194Leu)

Gene: TMEM70 (transmembrane protein 70; plus strand). Cytogenetic location: 8q21.11.
Variant type: single nucleotide variant.
Coding change: c.580G>T on transcript NM_017866.6 (MANE Select); coding-DNA position 580, G replaced by T.
Protein change: p.Val194Leu; replaces valine 194 with leucine.
Molecular consequence: missense variant. On other transcripts: 3 prime UTR variant (1), non-coding transcript variant (1).
Genome position (GRCh38, 1-based): chr8:73,981,418, G>T. VCF-style: chr8-73981418-G-T. GRCh37 (hg19) VCF-style: chr8-74893653-G-T.
Other names: c.*270G>T (NM_001040613.3); short protein forms V194L.
Identifiers: ClinVar variation 936124 (VCV000936124.9), dbSNP rs77410280, ClinGen allele CA371490292.
Genomic context (GRCh38, chr8:73,981,418, plus strand): 5'-GCCACAACAGACACTTATAAAGCCATTACCTACAATGCTATGCTTGCAGAAACGAGTACA[G>T]TGTTTCACCAGAATGATGTGAAGATTCCAGATGCTAAACATGTATTTACCACATTTTATG-3'
Protein context (NP_060336.3, residues 184-204): YNAMLAETST[Val194Leu]FHQNDVKIPD